The following is an entry in ClinVar:

ClinVar aggregate classification (germline): Pathogenic/Likely pathogenic. Review status: criteria provided, multiple submitters, no conflicts (2 of 4 stars). 5 submissions from 5 submitters: Pathogenic (2); Likely pathogenic (1). 2 of the submissions do not count toward it. Last evaluated 2025-12-04.

Conditions:
POU1F1-related disorder. Also called: POU1F1-related condition.
Pituitary hormone deficiency, combined, 1 (CPHD1). Also called: Pituitary hormone deficiency, combined or isolated, 1. Identifiers: MedGen C2751608, MONDO:0024464, OMIM 613038.

Allele frequency attached by ClinVar (database versions not stated): ExAC below 0.00001; gnomAD exomes 0.00004 and 0.00001; gnomAD 0.00001; TOPMed 0.00001.

Submissions (5):

GeneDx
Classification: Likely pathogenic. Last evaluated: 2025-12-04. Review status: criteria provided, single submitter. Criteria: GeneDx Variant Classification Process June 2021. Collection method: clinical testing. Allele origin: germline.
Comment: Observed with a second POU1F1 variant on the opposite allele (in trans) in a patient with motor delay, failure to thrive, and midline facial defects (PMID: 34815942); Nonsense variant predicted to result in protein truncation, as the last 75 amino acid(s) are lost, and other loss-of-function variants have been reported downstream in HGMD; Not observed at significant frequency in large population cohorts (gnomAD); This variant is associated with the following publications: (PMID: 35050212, 34006472, 34815942)

Labcorp Genetics (formerly Invitae), Labcorp
Classification: Pathogenic. Last evaluated: 2024-02-25. Review status: criteria provided, single submitter. Criteria: Invitae Variant Classification Sherloc (09022015). Collection method: clinical testing. Allele origin: germline.
Comment: This sequence change creates a premature translational stop signal (p.Arg217*) in the POU1F1 gene. While this is not anticipated to result in nonsense mediated decay, it is expected to disrupt the last 75 amino acid(s) of the POU1F1 protein. The frequency data for this variant in the population databases is considered unreliable, as metrics indicate poor data quality at this position in the gnomAD database. This premature translational stop signal has been observed in individual(s) with clinical features of autosomal recessive POU1F1-related conditions (PMID: 34815942). ClinVar contains an entry for this variant (Variation ID: 998004). This variant disrupts a region of the POU1F1 protein in which other variant(s) (p.Glu250Asnfs*2) have been determined to be pathogenic (PMID: 11297581). This suggests that this is a clinically significant region of the protein, and that variants that disrupt it are likely to be disease-causing. For these reasons, this variant has been classified as Pathogenic.

Department of Pediatrics, Taipei Veterans General Hospital
Classification: Pathogenic for Pituitary hormone deficiency, combined, 1. Last evaluated: 2020-12-09. Review status: criteria provided, single submitter. Criteria: ACMG Guidelines, 2015. Collection method: clinical testing. Allele origin: de novo. Affected: yes. Observed: 1 variant allele.

PreventionGenetics, part of Exact Sciences
Classification: Pathogenic for POU1F1-related condition. Last evaluated: 2024-08-05. Review status: no assertion criteria provided. Collection method: clinical testing. Allele origin: germline. Not counted in ClinVar's aggregate classification.
Comment: The POU1F1 c.649C>T variant is predicted to result in premature protein termination (p.Arg217*). This variant was reported in the homozygous state in an individual with short stature (Table S2, Fan et al. 2021. PubMed ID: 34006472), in the homozygous state in an individual with hypertrophic cardiomyopathy (Pezzoli et al. 2021. PubMed ID: 35050212), and in the compound heterozygous state with a second POU1F1 variant in an individual with congenital hypopituitarism (Chen et al. 2021. PubMed ID: 34815942). This variant is reported in 0.0036% of alleles in individuals of European (Non-Finnish) descent in gnomAD. Nonsense variants in POU1F1 are expected to be pathogenic. This variant is interpreted as pathogenic.

Beijing Key Laboratory for Genetic Research of Skeletal Deformity, Peking Union Medical College Hospital
Classification: Likely pathogenic for Pituitary hormone deficiency, combined, 1. Last evaluated: 2019-05-31. Review status: no assertion criteria provided. Collection method: research. Allele origin: unknown. Affected: yes. Not counted in ClinVar's aggregate classification.

Literature cited by the submitters: PubMed 34815942 (cited by Labcorp Genetics (formerly Invitae), Labcorp); PubMed 11297581 (cited by Labcorp Genetics (formerly Invitae), Labcorp).

NM_000306.4(POU1F1):c.649C>T (p.Arg217Ter)

Gene: POU1F1 (POU class 1 homeobox 1; minus strand). Cytogenetic location: 3p11.2.
Variant type: single nucleotide variant.
Coding change: c.649C>T on transcript NM_000306.4 (MANE Select); coding-DNA position 649, C replaced by T.
Protein change: p.Arg217Ter; replaces arginine 217 with a stop codon.
Molecular consequence: nonsense.
Genome position (GRCh38, 1-based): chr3:87,261,289, G>A on the plus strand (C>T on the coding strand, the complement: POU1F1 is on the minus strand). VCF-style: chr3-87261289-G-A. GRCh37 (hg19) VCF-style: chr3-87310439-G-A.
Other names: c.727C>T, p.Arg243Ter (NM_001122757.3); c.649C>T (NM_000306.2); short protein forms R217*, R243*.
Identifiers: ClinVar variation 998004 (VCV000998004.7), dbSNP rs761275346, ClinGen allele CA2501128.